The following is an entry in ClinVar:

NM_000083.3(CLCN1):c.1099T>A (p.Tyr367Asn)

Gene: CLCN1 (chloride voltage-gated channel 1; plus strand). Cytogenetic location: 7q34.
Variant type: single nucleotide variant.
Coding change: c.1099T>A on transcript NM_000083.3 (MANE Select); coding-DNA position 1099, T replaced by A.
Protein change: p.Tyr367Asn; replaces tyrosine 367 with asparagine.
Molecular consequence: missense variant. On other transcripts: non-coding transcript variant (1).
Genome position (GRCh38, 1-based): chr7:143,331,585, T>A. VCF-style: chr7-143331585-T-A. GRCh37 (hg19) VCF-style: chr7-143028678-T-A.
Other names: short protein forms Y367N.
Identifiers: ClinVar variation 940278 (VCV000940278.6), dbSNP rs1031445351, ClinGen allele CA168213226.
Genomic context (GRCh38, chr7:143,331,585, plus strand): 5'-TCCAACTCTATAAATTACACCCTCAGGATTTGCTGTGGGCTCCTGGGAGCTGTATTTGTG[T>A]ATCTGCATCGCCAAGTCATGCTCGGTGTCCGAAAGCACAAGGCCCTCAGCCAGTTTCTTG-3'
Protein context (NP_000074.3, residues 357-377): CCGLLGAVFV[Tyr367Asn]LHRQVMLGVR

ClinVar aggregate classification (germline): Uncertain significance (1 of 4 stars; one submission).

Conditions:
Congenital myotonia, autosomal dominant form (THD). Also called: THOMSEN DISEASE; Myotonia congenita autosomal dominant. Identifiers: Orphanet 614, MedGen C2936781, MONDO:0008055, OMIM 160800.
Congenital myotonia, autosomal recessive form. Also called: Becker Generalized Myotonia; myotonia congenita, autosomal recessive; BECKER DISEASE. Identifiers: Orphanet 614, MedGen C0751360, MONDO:0009715, OMIM 255700.

Allele frequency attached by ClinVar (database versions not stated): gnomAD 0.00003; TOPMed 0.00005.
gnomAD v4.1: 4 of 1,614,060 alleles (0.00025%); highest among the groups gnomAD compares: African/African-American, 0.0053%; no homozygotes.

Submission:

Labcorp Genetics (formerly Invitae), Labcorp
Classification: Uncertain significance for Congenital myotonia, autosomal recessive form; Congenital myotonia, autosomal dominant form. Last evaluated: 2025-05-25. Review status: criteria provided, single submitter. Criteria: Invitae Variant Classification Sherloc (09022015). Collection method: clinical testing. Allele origin: germline.
Comment: This sequence change replaces tyrosine, which is neutral and polar, with asparagine, which is neutral and polar, at codon 367 of the CLCN1 protein (p.Tyr367Asn). This variant is not present in population databases (gnomAD no frequency). This variant has not been reported in the literature in individuals affected with CLCN1-related conditions. ClinVar contains an entry for this variant (Variation ID: 940278). Invitae Evidence Modeling of protein sequence and biophysical properties (such as structural, functional, and spatial information, amino acid conservation, physicochemical variation, residue mobility, and thermodynamic stability) indicates that this missense variant is expected to disrupt CLCN1 protein function with a positive predictive value of 95%. In summary, the available evidence is currently insufficient to determine the role of this variant in disease. Therefore, it has been classified as a Variant of Uncertain Significance.